The following is an entry in ClinVar:

ClinVar aggregate classification (germline): Conflicting classifications of pathogenicity. Review status: criteria provided, conflicting classifications (1 of 4 stars). 6 submissions from 6 submitters: Pathogenic (1); Likely pathogenic (1); Uncertain significance (4). Last evaluated 2025-02-06.

Conditions:
Spastic paraplegia. Identifiers: MedGen C0037772, HP:0001258.
KDM5C-related disorder. Also called: KDM5C-related condition.
Intellectual developmental disorder, X-linked, syndromic, Claes-Jensen type. Also called: INTELLECTUAL DEVELOPMENTAL DISORDER, X-LINKED, SYNDROMIC 16; MENTAL RETARDATION, X-LINKED, SYNDROMIC 16; Syndromic X-linked intellectual disability Claes-Jensen type. Identifiers: Orphanet 85279, MedGen C1845243, MONDO:0010355, OMIM 300534.

Allele frequency attached by ClinVar (database versions not stated): gnomAD exomes below 0.00001.
gnomAD v4.1: 1 of 1,210,596 alleles (0.000083%); highest among the groups gnomAD compares: Non-Finnish European, 0.00011%; no homozygotes.

Submissions (6):

GeneDx
Classification: Pathogenic. Last evaluated: 2025-02-06. Review status: criteria provided, single submitter. Criteria: GeneDx Variant Classification Process June 2021. Collection method: clinical testing. Allele origin: germline.
Comment: Not observed at significant frequency in large population cohorts (gnomAD); In silico analysis supports that this missense variant has a deleterious effect on protein structure/function; Has not been previously published as pathogenic or benign to our knowledge

Labcorp Genetics (formerly Invitae), Labcorp
Classification: Uncertain significance for Spastic paraplegia. Last evaluated: 2024-10-25. Review status: criteria provided, single submitter. Criteria: Invitae Variant Classification Sherloc (09022015). Collection method: clinical testing. Allele origin: germline.
Comment: This sequence change replaces proline, which is neutral and non-polar, with leucine, which is neutral and non-polar, at codon 1253 of the KDM5C protein (p.Pro1253Leu). This variant is not present in population databases (gnomAD no frequency). This variant has not been reported in the literature in individuals affected with KDM5C-related conditions. ClinVar contains an entry for this variant (Variation ID: 1098600). Invitae Evidence Modeling of protein sequence and biophysical properties (such as structural, functional, and spatial information, amino acid conservation, physicochemical variation, residue mobility, and thermodynamic stability) has been performed for this missense variant. However, the output from this modeling did not meet the statistical confidence thresholds required to predict the impact of this variant on KDM5C protein function. In summary, the available evidence is currently insufficient to determine the role of this variant in disease. Therefore, it has been classified as a Variant of Uncertain Significance.

3billion
Classification: Uncertain significance for Intellectual developmental disorder, X-linked, syndromic, Claes-Jensen type. Last evaluated: 2024-10-11. Review status: criteria provided, single submitter. Criteria: ACMG Guidelines, 2015. Collection method: clinical testing. Allele origin: germline. Affected: yes.
Comment: The variant is observed at an extremely low frequency in the gnomAD v4.1.0 dataset (total allele frequency: <0.001%). Predicted Consequence/Location: Missense variant In silico tool predictions suggest damaging effect of the variant on gene or gene product [3Cnet: 0.96 (>=0.6, sensitivity 0.72 and precision 0.9)]. The same nucleotide change resulting in the same amino acid change has been previously reported to be associated with KDM5C related disorder (ClinVar ID: VCV001098600). However, the evidence of pathogenicity is insufficient at this time. Therefore, this variant is classified as VUS according to the recommendation of ACMG/AMP guideline.

Greenwood Genetic Center Diagnostic Laboratories, Greenwood Genetic Center
Classification: Uncertain significance. Last evaluated: 2024-08-29. Review status: criteria provided, single submitter. Criteria: ACMG Guidelines, 2015. Collection method: clinical testing. Allele origin: germline. Affected: yes.
Comment: PM2, PP2, PP3

Blueprint Genetics
Classification: Likely pathogenic for KDM5C-related disorders. Last evaluated: 2024-07-09. Review status: criteria provided, single submitter. Criteria: ACMG Guidelines, 2015. Collection method: clinical testing. Allele origin: germline. Affected: yes. Observed: 3 variant alleles.

New York Genome Center
Classification: Uncertain significance for Intellectual developmental disorder, X-linked, syndromic, Claes-Jensen type. Last evaluated: 2020-07-17. Review status: criteria provided, single submitter. Criteria: NYGC Assertion Criteria 2020. Collection method: clinical testing. Allele origin: germline. Observed: 1 hemizygote. Study: CSER-NYCKidSeq.
Comment: The c.3758C>T (p.Pro1253Leu) variant in exon 23 of 26 of KDM5C has not been reported in affected individuals in the available literature. This variant is absent in gnomAD suggesting it is not a common benign variant in the populations represented in this database. In silico predictors suggest this variant is Damaging (Provean; score: -9.04; SIFT; score: 0.001). Given the current evidences regarding its pathogenicity, the c.3758C>T (p.Pro1253Leu) variant identified in the KDM5C gene is a Variant of Uncertain Significance.

NM_004187.5(KDM5C):c.3758C>T (p.Pro1253Leu)

Gene: KDM5C (lysine demethylase 5C; minus strand). Cytogenetic location: Xp11.22.
Variant type: single nucleotide variant.
Coding change: c.3758C>T on transcript NM_004187.5 (MANE Select); coding-DNA position 3758, C replaced by T.
Protein change: p.Pro1253Leu; replaces proline 1253 with leucine.
Molecular consequence: missense variant. On other transcripts: non-coding transcript variant (3).
Genome position (GRCh38, 1-based): chrX:53,194,419, G>A on the plus strand (C>T on the coding strand, the complement: KDM5C is on the minus strand). VCF-style: chrX-53194419-G-A. GRCh37 (hg19) VCF-style: chrX-53223601-G-A.
Other names: c.3557C>T, p.Pro1186Leu (NM_001146702.2); c.3755C>T, p.Pro1252Leu (NM_001282622.3, NM_001353979.2, NM_001353982.2); c.3758C>T, p.Pro1253Leu (NM_001353978.3, NM_001353981.2, NM_001353984.2); c.3758C>T (NM_004187.4, NM_004187.2); short protein forms P1186L, P1252L, P1253L.
Identifiers: ClinVar variation 1098600 (VCV001098600.8), dbSNP rs2146821316, ClinGen allele CA413107306.